The following is an entry in ClinVar:

NM_002878.4(RAD51D):c.606G>C (p.Val202=)

Genes: RAD51D (RAD51 paralog D; minus strand), RAD51L3-RFFL (RAD51L3-RFFL readthrough; minus strand). Cytogenetic location: 17q12.
Variant type: single nucleotide variant.
Coding change: c.606G>C on transcript NM_002878.4 (MANE Select); coding-DNA position 606, G replaced by C.
Protein change: p.Val202=; no amino-acid change (valine 202 retained).
Molecular consequence: synonymous variant. On other transcripts: non-coding transcript variant (3).
Genome position (GRCh38, 1-based): chr17:35,103,515, C>G on the plus strand (G>C on the coding strand, the complement: RAD51D is on the minus strand). VCF-style: chr17-35103515-C-G. GRCh37 (hg19) VCF-style: chr17-33430534-C-G.
Other names: c.666G>C, p.Val222= (NM_001142571.2); c.270G>C, p.Val90= (NM_133629.3).
Identifiers: ClinVar variation 472615 (VCV000472615.13), dbSNP rs1555567627, ClinGen allele CA499730633.

ClinVar aggregate classification (germline): Benign/Likely benign. Review status: criteria provided, multiple submitters, no conflicts (2 of 4 stars). 3 submissions from 3 submitters: Benign (1); Likely benign (2). Last evaluated 2025-02-24.

Conditions:
Hereditary cancer-predisposing syndrome. Also called: Neoplastic Syndromes, Hereditary; Tumor predisposition; Hereditary Cancer Syndrome; Hereditary neoplastic syndrome. Identifiers: Orphanet 140162, MedGen C0027672, MeSH D009386, MONDO:0015356.
Breast-ovarian cancer, familial, susceptibility to, 4. Identifiers: Orphanet 145, MedGen C3280345, MONDO:0013669, OMIM 614291.

Allele frequency attached by ClinVar (database versions not stated): gnomAD exomes below 0.00001.
gnomAD v4.1: 3 of 1,614,224 alleles (0.00019%); highest among the groups gnomAD compares: Non-Finnish European, 0.00025%; no homozygotes.

Submissions (3):

Myriad Genetics, Inc.
Classification: Benign for Breast-ovarian cancer, familial, susceptibility to, 4. Last evaluated: 2025-02-24. Review status: criteria provided, single submitter. Criteria: Myriad Autosomal Dominant, Autosomal Recessive and X-Linked Classification Criteria (2023). Collection method: clinical testing. Allele origin: unknown.
Comment: This variant is considered benign. This variant is a silent/synonymous amino acid change and it is not expected to impact splicing.

Labcorp Genetics (formerly Invitae), Labcorp
Classification: Likely benign for Breast-ovarian cancer, familial, susceptibility to, 4. Last evaluated: 2023-08-02. Review status: criteria provided, single submitter. Criteria: Invitae Variant Classification Sherloc (09022015). Collection method: clinical testing. Allele origin: germline.

Ambry Genetics
Classification: Likely benign for Hereditary cancer-predisposing syndrome. Last evaluated: 2016-05-25. Review status: criteria provided, single submitter. Criteria: Ambry Variant Classification Scheme 2023. Collection method: clinical testing. Allele origin: germline.